The following is an entry in ClinVar:

NM_014915.3(ANKRD26):c.1535G>A (p.Gly512Glu)

Gene: ANKRD26 (ankyrin repeat domain containing 26; minus strand). Cytogenetic location: 10p12.1.
Variant type: single nucleotide variant.
Coding change: c.1535G>A on transcript NM_014915.3 (MANE Select); coding-DNA position 1535, G replaced by A.
Protein change: p.Gly512Glu; replaces glycine 512 with glutamic acid.
Molecular consequence: missense variant.
Genome position (GRCh38, 1-based): chr10:27,060,374, C>T on the plus strand (G>A on the coding strand, the complement: ANKRD26 is on the minus strand). VCF-style: chr10-27060374-C-T. GRCh37 (hg19) VCF-style: chr10-27349303-C-T.
Other names: c.1535G>A, p.Gly512Glu (NM_001256053.2); short protein forms G512E.
Identifiers: ClinVar variation 3395591 (VCV003395591.1).

ClinVar aggregate classification (germline): Uncertain significance (1 of 4 stars; one submission).

Conditions:
Inborn genetic diseases. Identifiers: MedGen C0950123, MeSH D030342.

gnomAD v4.1: 74 of 1,612,776 alleles (0.0046%); highest among the groups gnomAD compares: Non-Finnish European, 0.0063%; no homozygotes.

Submission:

Ambry Genetics
Classification: Uncertain significance for Inborn genetic diseases. Last evaluated: 2024-12-02. Review status: criteria provided, single submitter. Criteria: Ambry Variant Classification Scheme 2023. Collection method: clinical testing. Allele origin: germline.
Comment: The p.G512E variant (also known as c.1535G>A), located in coding exon 15 of the ANKRD26 gene, results from a G to A substitution at nucleotide position 1535. The glycine at codon 512 is replaced by glutamic acid, an amino acid with similar properties. This amino acid position is conserved. In addition, this alteration is predicted to be tolerated by in silico analysis. Based on the available evidence, the clinical significance of this variant remains unclear.